The following is an entry in ClinVar:

NM_020719.3(PRR12):c.4533G>A (p.Ser1511=)

Gene: PRR12 (proline rich 12; plus strand). Cytogenetic location: 19q13.33.
Variant type: single nucleotide variant.
Coding change: c.4533G>A on transcript NM_020719.3 (MANE Select); coding-DNA position 4533, G replaced by A.
Protein change: p.Ser1511=; no amino-acid change (serine 1511 retained).
Molecular consequence: synonymous variant.
Genome position (GRCh38, 1-based): chr19:49,601,678, G>A. VCF-style: chr19-49601678-G-A. GRCh37 (hg19) VCF-style: chr19-50104935-G-A.
Identifiers: ClinVar variation 769035 (VCV000769035.7), dbSNP rs73586559, ClinGen allele CA9578509.

ClinVar aggregate classification (germline): Benign. Review status: criteria provided, multiple submitters, no conflicts (2 of 4 stars). 3 submissions from 3 submitters: Benign (2). 1 of the submissions does not count toward it. Last evaluated 2019-12-31.

Conditions:
PRR12-related disorder. Also called: PRR12-related condition.

Allele frequency attached by ClinVar (database versions not stated): ExAC 0.00327; ESP Exome Variant Server 0.01748; gnomAD 0.02202; TOPMed 0.02442; 1000 Genomes Project 0.02556; 1000 Genomes Project 30x 0.02686.
gnomAD v4.1: 6,465 of 1,537,528 alleles (0.42%); highest among the groups gnomAD compares: African/African-American, 7.8%; 235 homozygotes.

Submissions (3):

Labcorp Genetics (formerly Invitae), Labcorp
Classification: Benign. Last evaluated: 2019-12-31. Review status: criteria provided, single submitter. Criteria: Invitae Variant Classification Sherloc (09022015). Collection method: clinical testing. Allele origin: germline.

Breakthrough Genomics
Classification: Benign. Review status: criteria provided, single submitter. Criteria: ACMG Guidelines, 2015. Collection method: not provided. Allele origin: germline. Inheritance: Autosomal dominant inheritance. Affected: yes.

PreventionGenetics, part of Exact Sciences
Classification: Benign for PRR12-related condition. Last evaluated: 2020-02-18. Review status: no assertion criteria provided. Collection method: clinical testing. Allele origin: germline. Not counted in ClinVar's aggregate classification.
Comment: This variant is classified as benign based on ACMG/AMP sequence variant interpretation guidelines (Richards et al. 2015 PMID: 25741868, with internal and published modifications).